The following is an entry in ClinVar:

ClinVar aggregate classification (germline): Pathogenic (1 of 4 stars; one submission).

Conditions:
Ellis-van Creveld syndrome (EVC). Also called: Chondroectodermal dysplasia; EVC-Related Ellis-van Creveld Syndrome; EVC2-Related Ellis-van Creveld Syndrome; MESOECTODERMAL DYSPLASIA. Identifiers: Orphanet 289, MedGen C0013903, MONDO:0009162, OMIM 225500.
Curry-Hall syndrome (WAD). Also called: WEYERS ACRODENTAL DYSOSTOSIS. Identifiers: Orphanet 952, MedGen C0457013, MONDO:0008673, OMIM 193530.

gnomAD v4.1: 1 of 1,612,974 alleles (0.000062%); highest among the groups gnomAD compares: African/African-American, 0.0013%; no homozygotes.

Submission:

Labcorp Genetics (formerly Invitae), Labcorp
Classification: Pathogenic for Curry-Hall syndrome; Ellis-van Creveld syndrome. Last evaluated: 2020-09-21. Review status: criteria provided, single submitter. Criteria: Invitae Variant Classification Sherloc (09022015). Collection method: clinical testing. Allele origin: germline.
Comment: Algorithms developed to predict the effect of sequence changes on RNA splicing suggest that this variant may disrupt the consensus splice site, but this prediction has not been confirmed by published transcriptional studies. This variant has been observed in individual(s) affected with Ellis van-Creveld syndrome (PMID: 17024374, Invitae). This variant is also known as IVS4+2T>C in the literature. This variant is not present in population databases (ExAC no frequency). This sequence change affects a donor splice site in intron 4 of the EVC2 gene. It is expected to disrupt RNA splicing and likely results in an absent or disrupted protein product. For these reasons, this variant has been classified as Pathogenic. Donor and acceptor splice site variants typically lead to a loss of protein function (PMID: 16199547), and loss-of-function variants in EVC2 are known to be pathogenic (PMID: 17024374, 19810119, 19876929).

Literature cited by the submitters: PubMed 17024374; PubMed 16199547; PubMed 19810119; PubMed 19876929.

NM_147127.5(EVC2):c.519+2T>C

Gene: EVC2 (EvC ciliary complex subunit 2; minus strand). Cytogenetic location: 4p16.2.
Variant type: single nucleotide variant.
Coding change: c.519+2T>C on transcript NM_147127.5 (MANE Select); the canonical splice donor site of the intron after coding-DNA position 519, T replaced by C.
Molecular consequence: splice donor variant.
Genome position (GRCh38, 1-based): chr4:5,691,263, A>G on the plus strand (T>C on the coding strand, the complement: EVC2 is on the minus strand). VCF-style: chr4-5691263-A-G. GRCh37 (hg19) VCF-style: chr4-5692990-A-G.
Other names: c.279+2T>C (NM_001166136.2).
Identifiers: ClinVar variation 937816 (VCV000937816.11), dbSNP rs1721102486, ClinGen allele CA356149723.
Genomic context (GRCh38, chr4:5,691,263, plus strand): 5'-AAATGATCTGGGCAAAATCCAATTATTTTCTCTTCAAATATACACCACCAGTGGAAACTT[A>G]CCAGTGCACATTTCTGAAAAATTACTCCATTTTCAGAAGTCCCTTGAACTTCTCTTGAAA-3'